The following is an entry in ClinVar:

ClinVar aggregate classification (germline): Likely benign. Review status: criteria provided, single submitter (1 of 4 stars). 2 submissions from 2 submitters: Likely benign (1). 1 of the submissions does not count toward it. Last evaluated 2025-06-14.

Conditions:
Bardet-Biedl syndrome (BBS). Identifiers: Orphanet 110, MedGen C0752166, MONDO:0015229.
BBS2-related disorder. Also called: BBS2-related disorders; BBS2-related condition. Identifiers: MedGen CN239228.

Allele frequency attached by ClinVar (database versions not stated): gnomAD exomes below 0.00001; gnomAD 0.00001; TOPMed 0.00001.
gnomAD v4.1: 5 of 1,610,660 alleles (0.00031%); highest among the groups gnomAD compares: African/African-American, 0.0013%; no homozygotes.

Submissions (2):

Labcorp Genetics (formerly Invitae), Labcorp
Classification: Likely benign for Bardet-Biedl syndrome. Last evaluated: 2025-06-14. Review status: criteria provided, single submitter. Criteria: Invitae Variant Classification Sherloc (09022015). Collection method: clinical testing. Allele origin: germline.

PreventionGenetics, part of Exact Sciences
Classification: Likely benign for BBS2-related condition. Last evaluated: 2020-12-15. Review status: no assertion criteria provided. Collection method: clinical testing. Allele origin: germline. Not counted in ClinVar's aggregate classification.
Comment: This variant is classified as likely benign based on ACMG/AMP sequence variant interpretation guidelines (Richards et al. 2015 PMID: 25741868, with internal and published modifications).

NM_031885.5(BBS2):c.2060-6A>G

Gene: BBS2 (Bardet-Biedl syndrome 2; minus strand). Cytogenetic location: 16q13.
Variant type: single nucleotide variant.
Coding change: c.2060-6A>G on transcript NM_031885.5 (MANE Select); 6 bases into the intron before coding-DNA position 2060, A replaced by G.
Molecular consequence: intron variant.
Genome position (GRCh38, 1-based): chr16:56,484,873, T>C on the plus strand (A>G on the coding strand, the complement: BBS2 is on the minus strand). VCF-style: chr16-56484873-T-C. GRCh37 (hg19) VCF-style: chr16-56518785-T-C.
Other names: c.2060-6A>G (NM_001377456.1, NM_031885.3).
Identifiers: ClinVar variation 2877954 (VCV002877954.4), dbSNP rs1226649220, ClinGen allele CA721940035.